The following is an entry in ClinVar:

NM_001846.4(COL4A2):c.34G>A (p.Ala12Thr)

Gene: COL4A2 (collagen type IV alpha 2 chain; plus strand). Cytogenetic location: 13q34.
Variant type: single nucleotide variant.
Coding change: c.34G>A on transcript NM_001846.4 (MANE Select); coding-DNA position 34, G replaced by A.
Protein change: p.Ala12Thr; replaces alanine 12 with threonine.
Molecular consequence: missense variant.
Genome position (GRCh38, 1-based): chr13:110,307,937, G>A. VCF-style: chr13-110307937-G-A. GRCh37 (hg19) VCF-style: chr13-110960284-G-A.
Other names: short protein forms A12T.
Identifiers: ClinVar variation 3678027 (VCV003678027.2).
Genomic context (GRCh38, chr13:110,307,937, plus strand): 5'-GGGGCCCAGAGTGGACGAACCGCCAGCATGGGGAGAGACCAGCGCGCGGTGGCCGGCCCT[G>A]CCCTACGGCGGTAAGCGACTTTCTGCCTGGTCCCCGTGGGTCACGCGCGCATGGACCCTT-3'
Protein context (NP_001837.2, residues 2-22): GRDQRAVAGP[Ala12Thr]LRRWLLLGTV

ClinVar aggregate classification (germline): Uncertain significance (1 of 4 stars; one submission).

gnomAD v4.1: 1 of 1,613,022 alleles (0.000062%); no homozygotes.

Submission:

Labcorp Genetics (formerly Invitae), Labcorp
Classification: Uncertain significance. Last evaluated: 2024-03-25. Review status: criteria provided, single submitter. Criteria: Invitae Variant Classification Sherloc (09022015). Collection method: clinical testing. Allele origin: germline.
Comment: This sequence change replaces alanine, which is neutral and non-polar, with threonine, which is neutral and polar, at codon 12 of the COL4A2 protein (p.Ala12Thr). This variant is not present in population databases (gnomAD no frequency). This variant has not been reported in the literature in individuals affected with COL4A2-related conditions. Advanced modeling of protein sequence and biophysical properties (such as structural, functional, and spatial information, amino acid conservation, physicochemical variation, residue mobility, and thermodynamic stability) performed at Invitae indicates that this missense variant is not expected to disrupt COL4A2 protein function with a negative predictive value of 95%. In summary, the available evidence is currently insufficient to determine the role of this variant in disease. Therefore, it has been classified as a Variant of Uncertain Significance.